The following is an entry in ClinVar:

ClinVar aggregate classification (germline): Uncertain significance (1 of 4 stars; one submission).

Submission:

CeGaT Center for Human Genetics Tuebingen
Classification: Uncertain significance. Last evaluated: 2023-11-01. Review status: criteria provided, single submitter. Criteria: CeGaT Center For Human Genetics Tuebingen Variant Classification Criteria Version 2. Collection method: clinical testing. Allele origin: germline. Affected: yes. Observed: 1 variant allele.
Comment: KIF5C: PM2

NM_004522.3(KIF5C):c.37T>C (p.Cys13Arg)

Gene: KIF5C (kinesin family member 5C; plus strand). Cytogenetic location: 2q23.1.
Variant type: single nucleotide variant.
Coding change: c.37T>C on transcript NM_004522.3 (MANE Select); coding-DNA position 37, T replaced by C.
Protein change: p.Cys13Arg; replaces cysteine 13 with arginine.
Molecular consequence: missense variant.
Genome position (GRCh38, 1-based): chr2:148,875,654, T>C. VCF-style: chr2-148875654-T-C. GRCh37 (hg19) VCF-style: chr2-149633223-T-C.
Other names: short protein forms C13R.
Identifiers: ClinVar variation 2672827 (VCV002672827.23), dbSNP rs754239937, ClinGen allele CA348866045.